The following is an entry in ClinVar:

NM_022114.4(PRDM16):c.2815C>T (p.Leu939Phe)

Gene: PRDM16 (PR/SET domain 16; plus strand). Cytogenetic location: 1p36.32.
Variant type: single nucleotide variant.
Coding change: c.2815C>T on transcript NM_022114.4 (MANE Select); coding-DNA position 2815, C replaced by T.
Protein change: p.Leu939Phe; replaces leucine 939 with phenylalanine.
Molecular consequence: missense variant.
Genome position (GRCh38, 1-based): chr1:3,417,951, C>T. VCF-style: chr1-3417951-C-T. GRCh37 (hg19) VCF-style: chr1-3334515-C-T.
Other names: c.2815C>T, p.Leu939Phe (NM_199454.3); short protein forms L939F.
Identifiers: ClinVar variation 4799031 (VCV004799031.1).

ClinVar aggregate classification (germline): Uncertain significance (1 of 4 stars; one submission).

Conditions:
Left ventricular noncompaction 8 (LVNC8). Identifiers: Orphanet 154, Orphanet 54260, MedGen C3809288, MONDO:0014152, OMIM 615373.

gnomAD v4.1: 7 of 1,613,182 alleles (0.00043%); highest among the groups gnomAD compares: Admixed American, 0.005%; no homozygotes.

Submission:

Labcorp Genetics (formerly Invitae), Labcorp
Classification: Uncertain significance for Left ventricular noncompaction 8. Last evaluated: 2025-06-11. Review status: criteria provided, single submitter. Criteria: Invitae Variant Classification Sherloc (09022015). Collection method: clinical testing. Allele origin: germline.
Comment: This sequence change replaces leucine, which is neutral and non-polar, with phenylalanine, which is neutral and non-polar, at codon 939 of the PRDM16 protein (p.Leu939Phe). This variant is present in population databases (rs150022595, gnomAD 0.006%). This variant has not been reported in the literature in individuals affected with PRDM16-related conditions. An algorithm developed to predict the effect of missense changes on protein structure and function (PolyPhen-2) suggests that this variant is likely to be disruptive. In summary, the available evidence is currently insufficient to determine the role of this variant in disease. Therefore, it has been classified as a Variant of Uncertain Significance.